The following continues an entry in ClinVar:

NM_002693.3(POLG):c.2740A>C (p.Thr914Pro)

Gene: POLG. ClinVar aggregate classification (germline): Pathogenic/Likely pathogenic. Pathogenic (15); Likely pathogenic (1).

Submissions 10 to 20 of 20:

GeneDx
Classification: Pathogenic. Last evaluated: 2022-10-26. Review status: criteria provided, single submitter. Criteria: GeneDx Variant Classification Process June 2021. Collection method: clinical testing. Allele origin: germline. Affected: yes.
Comment: Accounts for approximately 3% of disease-causing alleles and has been identified in patients with autosomal recessive POLG-related disorders, including Alpers syndrome and mitochondrial spinocerebellar ataxia and epilepsy (MSCAE) (Wong et al. 2008; Horvath et al. 2006; Taanman et al. 2009; Hinnell et al. 2012); Published functional studies demonstrate a damaging effect (Roos et al., 2013); In silico analysis supports that this missense variant has a deleterious effect on protein structure/function; This variant is associated with the following publications: (PMID: 16545482, 24642831, 20138553, 18487244, 30021052, 32042919, 23446635, 18828154, 16621917, 21357833, 18546365, 21956653, 16639411, 19578034, 23084792, 23446645, 21282586, 20843780, 27450679, 28471437, 30167885, 31425757, 25160553, 23921535, 21880868, 31980526)

Victorian Clinical Genetics Services, Murdoch Childrens Research Institute
Classification: Pathogenic for Mitochondrial DNA depletion syndrome 4b. Last evaluated: 2022-09-02. Review status: criteria provided, single submitter. Criteria: ACMG Guidelines, 2015. Collection method: clinical testing. Allele origin: germline. Inheritance: Autosomal recessive inheritance. Affected: yes.
Comment: Based on the classification scheme VCGS_Germline_v1.3.4, this variant is classified as Pathogenic. Following criteria are met: 0102 - Loss of function is a known mechanism of disease in this gene and is associated with POLG-related disorders. (I) 0108 - This gene is associated with both recessive and dominant disease. Variants are usually inherited in a recessive manner, however progressive external ophthalmoplegia can also be dominant when heterozygous variants are located in the highly conserved active site of motif B of the polymerase domain (PMID: 30451971). (I) 0200 - Variant is predicted to result in a missense amino acid change from threonine to proline. (I) 0251 - This variant is heterozygous. (I) 0304 - Variant is present in gnomAD (v2) <0.01 (31 heterozygotes, 0 homozygotes). (SP) 0501 - Missense variant consistently predicted to be damaging by multiple in silico tools or highly conserved with a major amino acid change. (SP) 0600 - Variant is located in the annotated DNA polymerase family A domain (DECIPHER). (I) 0801 - This variant has strong previous evidence of pathogenicity in unrelated individuals. This variant has been classified as pathogenic or likely pathogenic by multiple clinical laboratories in ClinVar and has been observed as compound heterozygous in individuals with POLG-related conditions (PMIDs: 30167885, 18546365). (I) Legend: (SP) - Supporting pathogenic, (I) - Information, (SB) - Supporting benign

Practice for Gait Abnormalities, David Pomarino, Competency Network Toe Walking C/o Practice Pomarino
Classification: Likely pathogenic for Tip-toe gait. Last evaluated: 2021-10-01. Review status: criteria provided, single submitter. Criteria: ACMG Guidelines, 2015. Collection method: clinical testing. Allele origin: germline. Affected: yes.
Comment: Hereditary motor sensory neuropathy (HMSN), also known as Charcot-Marie-Tooth Disease (CMT), is the most commonly inherited peripheral polyneuropathy. It constitutes a group of inherited, progressive, motor and sensory peripheral nerve disorders with properties of demyelination, axonal degeneration, or both. It is classified by clinical characteristics, modes of inheritance, electrophysiologic features, metabolic defects, and specific gene markers. Our patients all walk on tiptoe, so they show similar symptoms. When we genetically test them with our toe walking panel, we find that around 90 per cent of them have a genetic variant that explains their toe walking. These can be assigned, for example, to the area of myopathies (such as variants of the COL6A3 gene), the area of hereditary neuropathies (such as variants of the KMT2C gene) or the area of metabolic diseases (such as variants of the PYGM gene). In a smaller group of patients with almost identical symptoms, no abnormality is found in the genes of our panel, but spastic paraplegia can be detected. In another small group of our toe walkers, no abnormalities can be detected in the genes analysed in our toe walking panel, nor do they suffer from spastic paraplegia, as is also the case with healthy children. In contrast to these, however, they show a tiptoe gait. These patients suffer from infantile cerebral palsy, in which toe walking can also be observed.

Wong Mito Lab, Molecular and Human Genetics, Baylor College of Medicine
Classification: Pathogenic for Progressive sclerosing poliodystrophy. Last evaluated: 2018-10-01. Review status: criteria provided, single submitter. Criteria: ACMG Guidelines, 2015. Collection method: clinical testing. Allele origin: germline.
Comment: The NM_002693.2:c.2740A>C (NP_002684.1:p.Thr914Pro) [GRCH38: NC_000015.10:g.89321007T>G] variant in POLG gene is interpretated to be a Pathogenic based on ACMG guidelines (PMID: 25741868). This variant has been reported in PMID:16621917 . This variant meets the following evidence codes reported in the ACMG-guideline. PS1:This variation causes same amino-acid change as an established pathogenic variant. PS3:Well established functional studies show a deleterious effect on POLG. PM2:This variant is absent in key population databases. PM3:Detected in trans with a pathogenic variant for Mitochondrial DNA depletion syndrome 4A (Alpers type) which is a recessive disorder. PP1:This variant is co-segregated with Mitochondrial DNA depletion syndrome 4A (Alpers type) in multiple affected family members. PP4:Patient's phenotype or family history is highly specific for POLG. Based on the evidence criteria codes applied, the variant is suggested to be Pathogenic.

Eurofins Ntd Llc (ga)
Classification: Pathogenic. Last evaluated: 2017-09-05. Review status: criteria provided, single submitter. Criteria: EGL Classification Definitions 2015. Collection method: clinical testing. Allele origin: germline. Observed: 1 variant allele, 1 heterozygote.

Illumina Laboratory Services, Illumina
Classification: Pathogenic for POLG-Related Spectrum Disorders. Last evaluated: 2017-04-27. Review status: criteria provided, single submitter. Criteria: ICSL Variant Classification Criteria 09 May 2019. Collection method: clinical testing. Allele origin: germline.
Comment: The POLG c.2740A>C (p.Thr914Pro) missense variant is well documented in the literature as one of the five most common pathogenic variants, that together, account for approximately 60% of disease alleles in patients with autosomal recessive POLG-related spectrum disorders. Across a selection of the available literature, the p.Thr914Pro variant has been identified in at least ten patients in a compound heterozygous state (Nguyen et al. 2006; Wong et al. 2008; Roos et al. 2013; Horvarth et al. 2013; Rouzier et al. 2014). The variant was also identified in a heterozygous state in an asymptomatic daughter of an affected individual (Roos et al. 2013). The variant was absent from 864 control chromosomes but is reported at a frequency of 0.00035 in the European American population of the Exome Sequencing Project. Based on the collective evidence, the p.Thr914Pro variant is classified as pathogenic for POLG-related spectrum disorders. This variant was observed by ICSL as part of a predisposition screen in an ostensibly healthy population.

Baylor Genetics
Classification: Pathogenic for Progressive sclerosing poliodystrophy; Mitochondrial DNA depletion syndrome 4b. Review status: criteria provided, single submitter. Criteria: ACMG Guidelines, 2015. Collection method: clinical testing. Allele origin: germline.

Mayo Clinic Laboratories, Mayo Clinic
Classification: Pathogenic. Last evaluated: 2016-03-07. Review status: no assertion criteria provided. Collection method: clinical testing. Allele origin: unknown. Not counted in ClinVar's aggregate classification.

Clinical Genetics DNA and cytogenetics Diagnostics Lab, Erasmus MC, Erasmus Medical Center
Classification: Likely pathogenic. Review status: no assertion criteria provided. Collection method: clinical testing. Allele origin: germline. Affected: yes. Study: VKGL Data-share Consensus. Not counted in ClinVar's aggregate classification.

Diagnostic Laboratory, Department of Genetics, University Medical Center Groningen
Classification: Pathogenic. Review status: no assertion criteria provided. Collection method: clinical testing. Allele origin: germline. Affected: yes. Study: VKGL Data-share Consensus. Not counted in ClinVar's aggregate classification.

Laboratory of Diagnostic Genome Analysis, Leiden University Medical Center (LUMC)
Classification: Pathogenic. Review status: no assertion criteria provided. Collection method: clinical testing. Allele origin: germline. Affected: yes. Study: VKGL Data-share Consensus. Not counted in ClinVar's aggregate classification.

Literature cited by the submitters: PubMed 23446645 (cited by Labcorp Genetics (formerly Invitae), Labcorp); PubMed 16621917 (cited by 5 submitters); PubMed 21956653 (cited by Labcorp Genetics (formerly Invitae), Labcorp and Athena Diagnostics); PubMed 18487244 (cited by 3 submitters); PubMed 21880868 (cited by Labcorp Genetics (formerly Invitae), Labcorp and Athena Diagnostics); PubMed 23921535 (cited by 3 submitters); PubMed 20843780 (cited by Labcorp Genetics (formerly Invitae), Labcorp); PubMed 21357833 (cited by Labcorp Genetics (formerly Invitae), Labcorp and Athena Diagnostics); PubMed 21282586 (cited by Labcorp Genetics (formerly Invitae), Labcorp and Ambry Genetics); PubMed 16545482 (cited by 3 submitters); PubMed 16639411 (cited by 3 submitters); PubMed 18546365 (cited by 5 submitters); PubMed 18828154 (cited by Labcorp Genetics (formerly Invitae), Labcorp and Athena Diagnostics); PubMed 23446635 (cited by 4 submitters); PubMed 24642831 (cited by Labcorp Genetics (formerly Invitae), Labcorp and Athena Diagnostics); PubMed 27450679 (cited by 3 submitters); PubMed 32042919 (cited by Athena Diagnostics); PubMed 31980526 (cited by Athena Diagnostics); PubMed 30167885 (cited by Athena Diagnostics and Victorian Clinical Genetics Services, Murdoch Childrens Research Institute); PubMed 30451971 (cited by Victorian Clinical Genetics Services, Murdoch Childrens Research Institute); PubMed 37091313 (cited by Practice for Gait Abnormalities, David Pomarino, Competency Network Toe Walking C/o Practice Pomarino).